The following is an entry in ClinVar:

NM_001909.5(CTSD):c.464_465delinsGC (p.Thr155Ser)

Gene: CTSD (cathepsin D; minus strand). Cytogenetic location: 11p15.5.
Variant type: Indel.
Coding change: c.464_465delinsGC on transcript NM_001909.5 (MANE Select); coding-DNA positions 464 to 465, CT replaced by GC.
Protein change: p.Thr155Ser; replaces threonine 155 with serine.
Molecular consequence: missense variant.
Genome position (GRCh38, 1-based): chr11:1,758,975-1,758,976, AG replaced by GC on the plus strand (CT replaced by GC on the coding strand, the reverse complement: CTSD is on the minus strand). VCF-style: chr11-1758975-AG-GC. GRCh37 (hg19) VCF-style: chr11-1780205-AG-GC.
Other names: short protein forms T155S.
Identifiers: ClinVar variation 855671 (VCV000855671.8), dbSNP rs1845841625, ClinGen allele CA916083165.

ClinVar aggregate classification (germline): Uncertain significance (1 of 4 stars; one submission).

Conditions:
Neuronal ceroid lipofuscinosis. Also called: Neuronal Ceroid Lipofuscinoses. Identifiers: Orphanet 216, Orphanet 79263, MedGen C0027877, MONDO:0016295. Disease mechanism: loss of function.

Submission:

Labcorp Genetics (formerly Invitae), Labcorp
Classification: Uncertain significance for Neuronal ceroid lipofuscinosis. Last evaluated: 2019-02-20. Review status: criteria provided, single submitter. Criteria: Invitae Variant Classification Sherloc (09022015). Collection method: clinical testing. Allele origin: germline.
Comment: In summary, the available evidence is currently insufficient to determine the role of this variant in disease. Therefore, it has been classified as a Variant of Uncertain Significance. Algorithms developed to predict the effect of missense changes on protein structure and function are either unavailable or do not agree on the potential impact of this missense change (SIFT: "Tolerated"; PolyPhen-2: "Benign"; Align-GVGD: "Class C0"). This variant has not been reported in the literature in individuals with CTSD-related conditions. This variant is reported as two separate entries in the ExAC population database (c.464C>G, no frequency and c.464T>C, 9.7%). This sequence change replaces threonine with serine at codon 155 of the CTSD protein (p.Thr155Ser). The threonine residue is highly conserved and there is a small physicochemical difference between threonine and serine.